The following is an entry in ClinVar:

ClinVar aggregate classification (germline): Pathogenic (1 of 4 stars; one submission).

Conditions:
Niemann-Pick disease, type C1. Also called: NEUROVISCERAL STORAGE DISEASE WITH VERTICAL SUPRANUCLEAR OPHTHALMOPLEGIA; NIEMANN-PICK DISEASE WITH CHOLESTEROL ESTERIFICATION BLOCK; NIEMANN-PICK DISEASE WITHOUT SPHINGOMYELINASE DEFICIENCY; NIEMANN-PICK DISEASE, CHRONIC NEURONOPATHIC FORM; NIEMANN-PICK DISEASE, VARIANT TYPE C1. Identifiers: Orphanet 646, MedGen C3179455, MONDO:0009757, OMIM 257220.

Submission:

Labcorp Genetics (formerly Invitae), Labcorp
Classification: Pathogenic for Niemann-Pick disease, type C1. Last evaluated: 2024-01-29. Review status: criteria provided, single submitter. Criteria: Invitae Variant Classification Sherloc (09022015). Collection method: clinical testing. Allele origin: germline.
Comment: This sequence change creates a premature translational stop signal (p.Ser344Leufs*105) in the NPC1 gene. It is expected to result in an absent or disrupted protein product. Loss-of-function variants in NPC1 are known to be pathogenic (PMID: 9211850). This variant is not present in population databases (gnomAD no frequency). This variant has not been reported in the literature in individuals affected with NPC1-related conditions. For these reasons, this variant has been classified as Pathogenic.

Literature cited by the submitters: PubMed 9211850.

NM_000271.5(NPC1):c.1029del (p.Ser344fs)

Gene: NPC1 (NPC intracellular cholesterol transporter 1; minus strand). Cytogenetic location: 18q11.2.
Variant type: Deletion.
Coding change: c.1029del on transcript NM_000271.5 (MANE Select); coding-DNA position 1029, one base deleted (G; older notation c.1029delG).
Protein change: p.Ser344fs; shifts the reading frame from serine 344.
Molecular consequence: frameshift variant.
Genome position (GRCh38, 1-based): chr18:23,556,540, C deleted on the plus strand (G on the coding strand, the reverse complement: NPC1 is on the minus strand); the first of 5 consecutive C bases (chr18:23,556,540-23,556,544); deleting any one gives the same sequence. VCF-style (leftmost placement, unchanged base first): chr18-23556539-AC-A. GRCh37 (hg19) VCF-style: chr18-21136503-AC-A.
Other names: short protein forms S344fs.
Identifiers: ClinVar variation 2713959 (VCV002713959.3), dbSNP rs2511284582, ClinGen allele CA645600303.